The following is an entry in ClinVar:

ClinVar aggregate classification (germline): Uncertain significance (0 of 4 stars; one submission).

Conditions:
KSR2-related disorder. Also called: KSR2-related condition.

gnomAD v4.1: 14 of 1,609,584 alleles (0.00087%); highest among the groups gnomAD compares: Admixed American, 0.0017%; no homozygotes.

Submission:

PreventionGenetics, part of Exact Sciences
Classification: Uncertain significance for KSR2-related condition. Last evaluated: 2024-07-11. Review status: no assertion criteria provided. Collection method: clinical testing. Allele origin: germline.
Comment: The KSR2 c.1789G>A variant is predicted to result in the amino acid substitution p.Glu597Lys. To our knowledge, this variant has not been reported in the literature. This variant is reported in 0.0047% of alleles in individuals of European (Finnish) descent in gnomAD. At this time, the clinical significance of this variant is uncertain due to the absence of conclusive functional and genetic evidence.

NM_173598.6(KSR2):c.1876G>A (p.Glu626Lys)

Gene: KSR2 (kinase suppressor of ras 2; minus strand). Cytogenetic location: 12q24.22.
Variant type: single nucleotide variant.
Coding change: c.1876G>A on transcript NM_173598.6 (MANE Select); coding-DNA position 1876, G replaced by A.
Protein change: p.Glu626Lys; replaces glutamic acid 626 with lysine.
Molecular consequence: missense variant.
Genome position (GRCh38, 1-based): chr12:117,525,195, C>T on the plus strand (G>A on the coding strand, the complement: KSR2 is on the minus strand). VCF-style: chr12-117525195-C-T. GRCh37 (hg19) VCF-style: chr12-117963000-C-T.
Other names: short protein forms E626K.
Identifiers: ClinVar variation 3353545 (VCV003353545.1).
Genomic context (GRCh38, chr12:117,525,195, plus strand): 5'-GGAAGCTCCGGGCCGAGAGGAGGGACAGGTTCATCTCCTCGAAGTCATCCTCTGACTCTT[C>T]GGCCTCATCATGGACCTCTTCATTCTGTGGCCGGAGTGGGAGAGAGGTCAGAATTGTGTC-3'
Protein context (NP_775869.4, residues 616-636): SENEEVHDEA[Glu626Lys]ESEDDFEEMN